The following is an entry in ClinVar:

NM_032088.2(PCDHGA8):c.731A>G (p.His244Arg)

Genes: PCDHG@ (protocadherin gamma cluster; plus strand), PCDHGA1 (protocadherin gamma subfamily A, 1; plus strand), PCDHGA2 (protocadherin gamma subfamily A, 2; plus strand), PCDHGA3 (protocadherin gamma subfamily A, 3; plus strand), PCDHGA4 (protocadherin gamma subfamily A, 4; plus strand) and 8 more. Cytogenetic location: 5q31.3.
Variant type: single nucleotide variant.
Coding change: c.731A>G on transcript NM_032088.2 (MANE Select); coding-DNA position 731, A replaced by G.
Protein change: p.His244Arg; replaces histidine 244 with arginine.
Molecular consequence: missense variant. On other transcripts: intron variant (11).
Genome position (GRCh38, 1-based): chr5:141,393,544, A>G. VCF-style: chr5-141393544-A-G. GRCh37 (hg19) VCF-style: chr5-140773111-A-G.
Other names: c.731A>G, p.His244Arg (NM_014004.3); c.2421+60439A>G (NM_018912.3); c.2424+52149A>G (NM_018915.4); c.2424+47087A>G (NM_018916.4); c.2409+40875A>G (NM_018922.3); c.2514+35923A>G (NM_018917.4); c.2421+30988A>G (NM_018923.3); c.2421+26793A>G (NM_018918.3); and 4 more; short protein forms H244R.
Identifiers: ClinVar variation 3257595 (VCV003257595.17).

ClinVar aggregate classification (germline): Benign (1 of 4 stars; one submission).

gnomAD v4.1: 18,579 of 1,613,800 alleles (1.2%); highest among the groups gnomAD compares: Non-Finnish European, 1.4%; 149 homozygotes.

Submission:

CeGaT Center for Human Genetics Tuebingen
Classification: Benign. Last evaluated: 2024-07-01. Review status: criteria provided, single submitter. Criteria: CeGaT Center For Human Genetics Tuebingen Variant Classification Criteria Version 2. Collection method: clinical testing. Allele origin: germline. Affected: yes. Observed: 1 variant allele.
Comment: PCDHGA8: BP4, BS1, BS2